The following is an entry in ClinVar:

NM_000430.4(PAFAH1B1):c.184C>T (p.Gln62Ter)

Gene: PAFAH1B1 (platelet activating factor acetylhydrolase 1b regulatory subunit 1; plus strand). Cytogenetic location: 17p13.3.
Variant type: single nucleotide variant.
Coding change: c.184C>T on transcript NM_000430.4 (MANE Select); coding-DNA position 184, C replaced by T.
Protein change: p.Gln62Ter; replaces glutamine 62 with a stop codon.
Molecular consequence: nonsense.
Genome position (GRCh38, 1-based): chr17:2,666,082, C>T. VCF-style: chr17-2666082-C-T. GRCh37 (hg19) VCF-style: chr17-2569376-C-T.
Other names: short protein forms Q62*.
Identifiers: ClinVar variation 4850694 (VCV004850694.1).

ClinVar aggregate classification (germline): Pathogenic (1 of 4 stars; one submission).

Conditions:
Autosomal dominant PAFAH1B1-related disorders.

Submission:

Variantyx, Inc.
Classification: Pathogenic for Autosomal dominant PAFAH1B1-related disorders. Last evaluated: 2025-03-14. Review status: criteria provided, single submitter. Criteria: Variantyx Assertion Criteria 2022. Collection method: clinical testing. Allele origin: de novo. Inheritance: Autosomal dominant inheritance. Affected: yes.
Comment: This is a nonsense variant in the PAFAH1B1 gene (OMIM: 601545). Pathogenic variants in this gene have been associated with autosomal dominant PAFAH1B1-related disorders. The alteration introduces a premature termination codon in exon 4 out of 11 and is expected to result in loss of function, which is a known disease mechanism for PAFAH1B1 in this disorder (PMID: 11754098, 19667223) (PVS1). This variant has been reported in at least one affected individual (PMID: 19667223) (PS4, while it is absent from control populations (PM2). Based on the current evidence, this variant is classified as pathogenic for autosomal dominant PAFAH1B1-related disorders.

Literature cited by the submitters: PubMed 19667223; PubMed 11754098.